The following is an entry in ClinVar:

NM_032520.5(GNPTG):c.527-7T>G

Gene: GNPTG (N-acetylglucosamine-1-phosphate transferase subunit gamma; plus strand). Cytogenetic location: 16p13.3.
Variant type: single nucleotide variant.
Coding change: c.527-7T>G on transcript NM_032520.5 (MANE Select); 7 bases into the intron before coding-DNA position 527, T replaced by G.
Molecular consequence: intron variant.
Genome position (GRCh38, 1-based): chr16:1,362,445, T>G. VCF-style: chr16-1362445-T-G. GRCh37 (hg19) VCF-style: chr16-1412446-T-G.
Identifiers: ClinVar variation 2173310 (VCV002173310.4), dbSNP rs1316413403, ClinGen allele CA620700164.

ClinVar aggregate classification (germline): Uncertain significance (1 of 4 stars; one submission).

Allele frequency attached by ClinVar (database versions not stated): gnomAD exomes below 0.00001; TOPMed 0.00002.
gnomAD v4.1: 2 of 1,613,554 alleles (0.00012%); highest among the groups gnomAD compares: Admixed American, 0.0033%; no homozygotes.

Submission:

Labcorp Genetics (formerly Invitae), Labcorp
Classification: Uncertain significance. Last evaluated: 2024-10-29. Review status: criteria provided, single submitter. Criteria: Invitae Variant Classification Sherloc (09022015). Collection method: clinical testing. Allele origin: germline.
Comment: This sequence change falls in intron 7 of the GNPTG gene. It does not directly change the encoded amino acid sequence of the GNPTG protein. This variant is present in population databases (no rsID available, gnomAD 0.003%). This variant has not been reported in the literature in individuals affected with GNPTG-related conditions. ClinVar contains an entry for this variant (Variation ID: 2173310). Algorithms developed to predict the effect of sequence changes on RNA splicing suggest that this variant may create or strengthen a splice site. In summary, the available evidence is currently insufficient to determine the role of this variant in disease. Therefore, it has been classified as a Variant of Uncertain Significance.